The following is an entry in ClinVar:

NM_152594.3(SPRED1):c.875A>G (p.Tyr292Cys)

Gene: SPRED1 (sprouty related EVH1 domain containing 1; plus strand). Cytogenetic location: 15q14.
Variant type: single nucleotide variant.
Coding change: c.875A>G on transcript NM_152594.3 (MANE Select); coding-DNA position 875, A replaced by G.
Protein change: p.Tyr292Cys; replaces tyrosine 292 with cysteine.
Molecular consequence: missense variant.
Genome position (GRCh38, 1-based): chr15:38,351,204, A>G. VCF-style: chr15-38351204-A-G. GRCh37 (hg19) VCF-style: chr15-38643405-A-G.
Other names: short protein forms Y292C.
Identifiers: ClinVar variation 1473684 (VCV001473684.8), dbSNP rs201933663, ClinGen allele CA7470195.

ClinVar aggregate classification (germline): Conflicting classifications of pathogenicity. Review status: criteria provided, conflicting classifications (1 of 4 stars). 2 submissions from 2 submitters: Uncertain significance (1); Likely benign (1). Last evaluated 2025-08-24.

Conditions:
Cardiovascular phenotype. Identifiers: MedGen CN230736.
Legius syndrome. Identifiers: Orphanet 137605, MedGen C1969623, MONDO:0012669, OMIM 611431. Disease mechanism: loss of function.

Allele frequency attached by ClinVar (database versions not stated): gnomAD 0.00002 and 0.00003; TOPMed 0.00002; gnomAD exomes 0.00006 and 0.00011; ExAC 0.00007; 1000 Genomes Project 0.00020; 1000 Genomes Project 30x 0.00031.
gnomAD v4.1: 157 of 1,614,122 alleles (0.0097%); highest among the groups gnomAD compares: Non-Finnish European, 0.013%; no homozygotes.

Submissions (2):

Labcorp Genetics (formerly Invitae), Labcorp
Classification: Uncertain significance for Legius syndrome. Last evaluated: 2025-08-24. Review status: criteria provided, single submitter. Criteria: Invitae Variant Classification Sherloc (09022015). Collection method: clinical testing. Allele origin: germline.
Comment: This sequence change replaces tyrosine, which is neutral and polar, with cysteine, which is neutral and slightly polar, at codon 292 of the SPRED1 protein (p.Tyr292Cys). This variant is present in population databases (rs201933663, gnomAD 0.01%). This variant has not been reported in the literature in individuals affected with SPRED1-related conditions. ClinVar contains an entry for this variant (Variation ID: 1473684). Invitae Evidence Modeling incorporating data from in vitro experimental studies (internal data) indicates that this missense variant is not expected to disrupt SPRED1 function with a negative predictive value of 95%. In summary, the available evidence is currently insufficient to determine the role of this variant in disease. Therefore, it has been classified as a Variant of Uncertain Significance.

Ambry Genetics
Classification: Likely benign for Cardiovascular phenotype. Last evaluated: 2024-03-11. Review status: criteria provided, single submitter. Criteria: Ambry Variant Classification Scheme 2023. Collection method: clinical testing. Allele origin: germline.